The following is an entry in ClinVar:

ClinVar aggregate classification (germline): Uncertain significance (1 of 4 stars; one submission).

Submission:

GeneDx
Classification: Uncertain significance. Last evaluated: 2026-04-25. Review status: criteria provided, single submitter. Criteria: GeneDx Variant Classification Process June 2021. Collection method: clinical testing. Allele origin: germline.
Comment: Not observed at significant frequency in large population cohorts (gnomAD); In silico analysis suggests that this missense variant does not alter protein structure/function; Has not been previously published as pathogenic or benign to our knowledge

NM_006950.3(SYN1):c.35A>G (p.Asn12Ser)

Gene: SYN1 (synapsin I; minus strand). Cytogenetic location: Xp11.23.
Variant type: single nucleotide variant.
Coding change: c.35A>G on transcript NM_006950.3 (MANE Select); coding-DNA position 35, A replaced by G.
Protein change: p.Asn12Ser; replaces asparagine 12 with serine.
Molecular consequence: missense variant.
Genome position (GRCh38, 1-based): chrX:47,619,694, T>C on the plus strand (A>G on the coding strand, the complement: SYN1 is on the minus strand). VCF-style: chrX-47619694-T-C. GRCh37 (hg19) VCF-style: chrX-47479093-T-C.
Other names: c.35A>G, p.Asn12Ser (NM_133499.2); short protein forms N12S.
Identifiers: ClinVar variation 5037593 (VCV005037593.1).